The following is an entry in ClinVar:

ClinVar aggregate classification (germline): Uncertain significance. Review status: criteria provided, multiple submitters, no conflicts (2 of 4 stars). 2 submissions from 2 submitters: Uncertain significance (2). Last evaluated 2019-12-04.

Allele frequency attached by ClinVar (database versions not stated): gnomAD exomes 0.00001 and 0.00007; gnomAD 0.00004; TOPMed 0.00005; 1000 Genomes Project 30x 0.00016; 1000 Genomes Project 0.00020.
gnomAD v4.1: 26 of 1,550,610 alleles (0.0017%); highest among the groups gnomAD compares: East Asian, 0.061%; no homozygotes.

Submissions (2):

Blueprint Genetics
Classification: Uncertain significance. Last evaluated: 2019-12-04. Review status: criteria provided, single submitter. Criteria: ACMG Guidelines, 2015. Collection method: clinical testing. Allele origin: germline.

Laboratory for Molecular Medicine, Mass General Brigham Personalized Medicine
Classification: Uncertain significance. Last evaluated: 2016-04-12. Review status: criteria provided, single submitter. Criteria: LMM Criteria. Collection method: clinical testing. Allele origin: germline. Observed: 1 variant allele.
Comment: The p.Ala2129Val variant in OTOG has not been previously reported in individuals with hearing loss, but has been identified in 1/206 of Chinese chromosomes by t he 1000 Genomes Project (dbSNP rs535700451). Although this variant has been seen in the general population, its frequency is not high enough to rule out a patho genic role. Computational prediction tools and conservation analysis suggest tha t the p.Ala2129Val variant may impact the protein, though this information is no t predictive enough to determine pathogenicity. In summary, the clinical signifi cance of the p.Ala2129Val variant is uncertain.

NM_001292063.2(OTOG):c.6350C>T (p.Ala2117Val)

Gene: OTOG (otogelin; plus strand). Cytogenetic location: 11p15.1.
Variant type: single nucleotide variant.
Coding change: c.6350C>T on transcript NM_001292063.2 (MANE Select); coding-DNA position 6350, C replaced by T.
Protein change: p.Ala2117Val; replaces alanine 2117 with valine.
Molecular consequence: missense variant.
Genome position (GRCh38, 1-based): chr11:17,612,677, C>T. VCF-style: chr11-17612677-C-T. GRCh37 (hg19) VCF-style: chr11-17634224-C-T.
Other names: c.6386C>T, p.Ala2129Val (NM_001277269.2); short protein forms A2129V, A2117V.
Identifiers: ClinVar variation 504922 (VCV000504922.6), dbSNP rs535700451, ClinGen allele CA218478831.